The following is an entry in ClinVar:

ClinVar aggregate classification (germline): Likely benign (1 of 4 stars; one submission).

Submission:

Laboratory for Molecular Medicine, Mass General Brigham Personalized Medicine
Classification: Likely benign. Last evaluated: 2013-01-04. Review status: criteria provided, single submitter. Criteria: LMM Criteria. Collection method: clinical testing. Allele origin: germline. Observed: 1 variant allele.
Comment: 3523+11C>G in intron 21 of TTN: This variant is not expected to have clinical si gnificance because it is not located within the splice consensus sequence. 352 3+11C>G in intron 21 of TTN (allele frequency = n/a)

NM_001267550.2(TTN):c.3523+11C>G

Gene: TTN (titin; minus strand). Cytogenetic location: 2q31.2.
Variant type: single nucleotide variant.
Coding change: c.3523+11C>G on transcript NM_001267550.2 (MANE Select); 11 bases into the intron after coding-DNA position 3523, C replaced by G.
Molecular consequence: intron variant.
Genome position (GRCh38, 1-based): chr2:178,781,110, G>C on the plus strand (C>G on the coding strand, the complement: TTN is on the minus strand). VCF-style: chr2-178781110-G-C. GRCh37 (hg19) VCF-style: chr2-179645837-G-C.
Other names: c.3523+11C>G (NM_133378.4, NM_001256850.1, NM_133379.5); c.3385+11C>G (NM_003319.4, NM_133437.4, NM_133432.3).
Identifiers: ClinVar variation 46961 (VCV000046961.5), dbSNP rs397517569, ClinGen allele CA139642.